The following is an entry in ClinVar:

ClinVar aggregate classification (germline): Likely pathogenic. Review status: criteria provided, single submitter (1 of 4 stars). 2 submissions from 2 submitters: Likely pathogenic (1). 1 of the submissions does not count toward it. Last evaluated 2022-12-22.

Conditions:
VWF-related disorder. Also called: VWF-related disorders; VWF-related condition.

Submissions (2):

PreventionGenetics, part of Exact Sciences
Classification: Likely pathogenic for VWF-related condition. Last evaluated: 2022-12-22. Review status: criteria provided, single submitter. Criteria: ACMG Guidelines, 2015. Collection method: clinical testing. Allele origin: germline.
Comment: The VWF c.3614G>T variant is predicted to result in the amino acid substitution p.Arg1205Leu. This variant has been reported in individuals with Von Willebrand disease (Kakela et al. 2006. PubMed ID: 16321553; Veyradier et al. 2016. PubMed ID: 26986123). Different missense variants in the same codon (3613C>A,p.Arg1205Ser; 3613C>T,p.Arg1205Cysr; 3614G>A,p.Arg1205His) have been reported in individuals with Von Willebrand disease (Schneppenheim et al. 2000. PubMed ID: 10669167; Kakela et al. 2006. PubMed ID: 16321553; Millar et al. 2008. PubMed ID: 18449422) suggesting that substitution of amino acid residue p.Arg1205 is not tolerated. This variant has not been reported in a large population database, indicating this variant is rare. This variant is interpreted as likely pathogenic.

Academic Unit of Haematology, University of Sheffield
No classification provided. Review status: no classification provided. Collection method: not provided. Allele origin: not provided. Not counted in ClinVar's aggregate classification.

NM_000552.5(VWF):c.3614G>T (p.Arg1205Leu)

Gene: VWF (von Willebrand factor; minus strand). Cytogenetic location: 12p13.31.
Variant type: single nucleotide variant.
Coding change: c.3614G>T on transcript NM_000552.5 (MANE Select); coding-DNA position 3614, G replaced by T.
Protein change: p.Arg1205Leu; replaces arginine 1205 with leucine.
Molecular consequence: missense variant.
Genome position (GRCh38, 1-based): chr12:6,021,960, C>A on the plus strand (G>T on the coding strand, the complement: VWF is on the minus strand). VCF-style: chr12-6021960-C-A. GRCh37 (hg19) VCF-style: chr12-6131126-C-A.
Other names: c.3614G>T (NM_000552.4); short protein forms R1205L.
Identifiers: ClinVar variation 100271 (VCV000100271.2), dbSNP rs121964895, ClinGen allele CA228427.